The following is an entry in ClinVar:

ClinVar aggregate classification (germline): Uncertain significance. Review status: criteria provided, multiple submitters, no conflicts (2 of 4 stars). 4 submissions from 4 submitters: Uncertain significance (4). Last evaluated 2023-10-16.

Conditions:
Schneckenbecken dysplasia. Identifiers: Orphanet 3144, MedGen C0432194, MONDO:0010013, OMIM 269250.
Connective tissue disorder. Also called: Connective tissue disease. Identifiers: MedGen C0009782, MONDO:0003900.

Allele frequency attached by ClinVar (database versions not stated): 1000 Genomes Project 30x 0.00047; 1000 Genomes Project 0.00060; gnomAD exomes 0.00060 and 0.00140; ExAC 0.00068; ESP Exome Variant Server 0.00069; TOPMed 0.00078; gnomAD 0.00090 and 0.00091.
gnomAD v4.1: 2,154 of 1,614,082 alleles (0.13%); highest among the groups gnomAD compares: Non-Finnish European, 0.17%; 1 homozygote.

Submissions (4):

ARUP Laboratories, Molecular Genetics and Genomics, ARUP Laboratories
Classification: Uncertain significance for Schneckenbecken dysplasia. Last evaluated: 2023-10-16. Review status: criteria provided, single submitter. Criteria: ARUP Molecular Germline Variant Investigation Process 2024. Collection method: clinical testing. Allele origin: germline.
Comment: The SLC35D1 c.301C>T; p.Leu101Phe variant (rs145382776), to our knowledge, is not reported in the medical literature but is reported in ClinVar (Variation ID: 642827). This variant is found in the general population with an overall allele frequency of 0.063% (178/282888 alleles) in the Genome Aggregation Database. Computational analyses predict that this variant is neutral (REVEL: 0.083). Due to limited information, the clinical significance of this variant is uncertain at this time.

Labcorp Genetics (formerly Invitae), Labcorp
Classification: Uncertain significance for Schneckenbecken dysplasia. Last evaluated: 2022-08-23. Review status: criteria provided, single submitter. Criteria: Invitae Variant Classification Sherloc (09022015). Collection method: clinical testing. Allele origin: germline.
Comment: This sequence change replaces leucine, which is neutral and non-polar, with phenylalanine, which is neutral and non-polar, at codon 101 of the SLC35D1 protein (p.Leu101Phe). This variant is present in population databases (rs145382776, gnomAD 0.1%), and has an allele count higher than expected for a pathogenic variant. This variant has not been reported in the literature in individuals affected with SLC35D1-related conditions. ClinVar contains an entry for this variant (Variation ID: 642827). Algorithms developed to predict the effect of missense changes on protein structure and function output the following: SIFT: "Tolerated"; PolyPhen-2: "Benign"; Align-GVGD: "Class C0". The phenylalanine amino acid residue is found in multiple mammalian species, which suggests that this missense change does not adversely affect protein function. In summary, the available evidence is currently insufficient to determine the role of this variant in disease. Therefore, it has been classified as a Variant of Uncertain Significance.

Genome Diagnostics Laboratory, The Hospital for Sick Children
Classification: Uncertain significance for Connective tissue disorder. Last evaluated: 2022-01-25. Review status: criteria provided, single submitter. Criteria: ACMG Guidelines, 2015. Collection method: clinical testing. Allele origin: germline.

GeneDx
Classification: Uncertain significance. Last evaluated: 2020-10-26. Review status: criteria provided, single submitter. Criteria: GeneDx Variant Classification Process June 2021. Collection method: clinical testing. Allele origin: germline. Affected: yes.
Comment: In silico analysis supports that this missense variant does not alter protein structure/function; Has not been previously published as pathogenic or benign to our knowledge

NM_015139.3(SLC35D1):c.301C>T (p.Leu101Phe)

Gene: SLC35D1 (solute carrier family 35 member D1; minus strand). Cytogenetic location: 1p31.3.
Variant type: single nucleotide variant.
Coding change: c.301C>T on transcript NM_015139.3 (MANE Select); coding-DNA position 301, C replaced by T.
Protein change: p.Leu101Phe; replaces leucine 101 with phenylalanine.
Molecular consequence: missense variant.
Genome position (GRCh38, 1-based): chr1:67,052,794, G>A on the plus strand (C>T on the coding strand, the complement: SLC35D1 is on the minus strand). VCF-style: chr1-67052794-G-A. GRCh37 (hg19) VCF-style: chr1-67518477-G-A.
Other names: short protein forms L101F.
Identifiers: ClinVar variation 642827 (VCV000642827.11), dbSNP rs145382776, ClinGen allele CA899081.
Genomic context (GRCh38, chr1:67,052,794, plus strand): 5'-CATTTCACAAAATAAAGTATCGCTTTTCTTCTTTTACCTTTCGAGGTACATTTCTGTCAA[G>A]GTCAGGAAACTTGACTACTCTGAGCGCCTTTCCCACCCAGAGAACTGCCACTGTGGCCAC-3'
Protein context (NP_055954.1, residues 91-111): KALRVVKFPD[Leu101Phe]DRNVPRKTFP